The following is an entry in ClinVar:

NM_001909.5(CTSD):c.115G>C (p.Val39Leu)

Genes: CTSD (cathepsin D; minus strand), PRADX (PRC2 and DDX5 associated lncRNA; plus strand). Cytogenetic location: 11p15.5.
Variant type: single nucleotide variant.
Coding change: c.115G>C on transcript NM_001909.5 (MANE Select); coding-DNA position 115, G replaced by C.
Protein change: p.Val39Leu; replaces valine 39 with leucine.
Molecular consequence: missense variant.
Genome position (GRCh38, 1-based): chr11:1,761,422, C>G on the plus strand (G>C on the coding strand, the complement: CTSD is on the minus strand). VCF-style: chr11-1761422-C-G. GRCh37 (hg19) VCF-style: chr11-1782652-C-G.
Other names: short protein forms V39L.
Identifiers: ClinVar variation 2009997 (VCV002009997.1), dbSNP rs762631372, ClinGen allele CA5814287.

ClinVar aggregate classification (germline): Uncertain significance (1 of 4 stars; one submission).

Conditions:
Neuronal ceroid lipofuscinosis. Also called: Neuronal Ceroid Lipofuscinoses. Identifiers: Orphanet 216, Orphanet 79263, MedGen C0027877, MONDO:0016295. Disease mechanism: loss of function.

Allele frequency attached by ClinVar (database versions not stated): ExAC 0.00001.
gnomAD v4.1: 1 of 1,613,924 alleles (0.000062%); highest among the groups gnomAD compares: Admixed American, 0.0017%; no homozygotes.

Submission:

Labcorp Genetics (formerly Invitae), Labcorp
Classification: Uncertain significance for Neuronal ceroid lipofuscinosis. Last evaluated: 2022-06-23. Review status: criteria provided, single submitter. Criteria: Invitae Variant Classification Sherloc (09022015). Collection method: clinical testing. Allele origin: germline.
Comment: This sequence change replaces valine, which is neutral and non-polar, with leucine, which is neutral and non-polar, at codon 39 of the CTSD protein (p.Val39Leu). This variant is present in population databases (rs762631372, gnomAD 0.003%). This variant has not been reported in the literature in individuals affected with CTSD-related conditions. Algorithms developed to predict the effect of missense changes on protein structure and function output the following: SIFT: "Tolerated"; PolyPhen-2: "Benign"; Align-GVGD: "Class C0". The leucine amino acid residue is found in multiple mammalian species, which suggests that this missense change does not adversely affect protein function. In summary, the available evidence is currently insufficient to determine the role of this variant in disease. Therefore, it has been classified as a Variant of Uncertain Significance.